The following is an entry in ClinVar:

ClinVar aggregate classification (germline): Likely benign (1 of 4 stars; one submission).

Submission:

CeGaT Center for Human Genetics Tuebingen
Classification: Likely benign. Last evaluated: 2026-03-01. Review status: criteria provided, single submitter. Criteria: CeGaT Center For Human Genetics Tuebingen Variant Classification Criteria Version 2. Collection method: clinical testing. Allele origin: germline. Affected: yes. Observed: 4 variant alleles.
Comment: ESX1: BP3

NM_153448.4(ESX1):c.1040_1069del (p.Pro347_Pro356del)

Gene: ESX1 (ESX homeobox 1; minus strand). Cytogenetic location: Xq22.2.
Variant type: Deletion.
Coding change: c.1040_1069del on transcript NM_153448.4 (MANE Select); coding-DNA positions 1040 to 1069, 30 bases deleted (CTCTGCCACCCGGGCCGCCCATGGCGCCTC).
Protein change: p.Pro347_Pro356del.
Molecular consequence: inframe deletion.
Genome position (GRCh38, 1-based): chrX:104,250,380-104,250,409, GAGGCGCCATGGGCGGCCCGGGTGGCAGAG deleted on the plus strand (CTCTGCCACCCGGGCCGCCCATGGCGCCTC on the coding strand, the reverse complement: ESX1 is on the minus strand); deleting any 30 consecutive bases within chrX:104,250,380-104,250,410 gives the same sequence; the c. name uses the placement nearest the transcript's 3' end. VCF-style (leftmost placement, unchanged base first): chrX-104250379-AGAGGCGCCATGGGCGGCCCGGGTGGCAGAG-A. GRCh37 (hg19) VCF-style: chrX-103495060-AGAGGCGCCATGGGCGGCCCGGGTGGCAGAG-A.
Identifiers: ClinVar variation 3341763 (VCV003341763.16).